The following is an entry in ClinVar:

ClinVar aggregate classification (germline): Uncertain significance. Review status: criteria provided, multiple submitters, no conflicts (2 of 4 stars). 2 submissions from 2 submitters: Uncertain significance (2). Last evaluated 2025-04-23.

Conditions:
Spastic paraplegia. Identifiers: MedGen C0037772, HP:0001258.

gnomAD v4.1: 4 of 1,614,086 alleles (0.00025%); highest among the groups gnomAD compares: African/African-American, 0.0013%; no homozygotes.

Submissions (2):

GeneDx
Classification: Uncertain significance. Last evaluated: 2025-04-23. Review status: criteria provided, single submitter. Criteria: GeneDx Variant Classification Process June 2021. Collection method: clinical testing. Allele origin: germline. Affected: yes.
Comment: Not observed at significant frequency in large population cohorts (gnomAD); In silico analysis supports that this missense variant has a deleterious effect on protein structure/function; Has not been previously published as pathogenic or benign to our knowledge

Labcorp Genetics (formerly Invitae), Labcorp
Classification: Uncertain significance for Spastic paraplegia. Last evaluated: 2024-09-15. Review status: criteria provided, single submitter. Criteria: Invitae Variant Classification Sherloc (09022015). Collection method: clinical testing. Allele origin: germline.
Comment: This sequence change replaces glutamic acid, which is acidic and polar, with lysine, which is basic and polar, at codon 418 of the KIF5A protein (p.Glu418Lys). This variant is not present in population databases (gnomAD no frequency). This variant has not been reported in the literature in individuals affected with KIF5A-related conditions. Invitae Evidence Modeling of protein sequence and biophysical properties (such as structural, functional, and spatial information, amino acid conservation, physicochemical variation, residue mobility, and thermodynamic stability) has been performed for this missense variant. However, the output from this modeling did not meet the statistical confidence thresholds required to predict the impact of this variant on KIF5A protein function. In summary, the available evidence is currently insufficient to determine the role of this variant in disease. Therefore, it has been classified as a Variant of Uncertain Significance.

NM_004984.4(KIF5A):c.1252G>A (p.Glu418Lys)

Gene: KIF5A (kinesin family member 5A; plus strand). Cytogenetic location: 12q13.3.
Variant type: single nucleotide variant.
Coding change: c.1252G>A on transcript NM_004984.4 (MANE Select); coding-DNA position 1252, G replaced by A.
Protein change: p.Glu418Lys; replaces glutamic acid 418 with lysine.
Molecular consequence: missense variant.
Genome position (GRCh38, 1-based): chr12:57,570,121, G>A. VCF-style: chr12-57570121-G-A. GRCh37 (hg19) VCF-style: chr12-57963904-G-A.
Other names: c.1252G>A (NM_004984.2); c.985G>A, p.Glu329Lys (NM_001354705.2); short protein forms E418K, E329K.
Identifiers: ClinVar variation 2966124 (VCV002966124.4), dbSNP rs2540501725, ClinGen allele CA385504337.